The following is an entry in ClinVar:

ClinVar aggregate classification (germline): Pathogenic (1 of 4 stars; one submission).

Conditions:
Primary familial dilated cardiomyopathy (FDC). Also called: Familial dilated cardiomyopathy; Hypokinetic dilated cardiomyopathy, familial. Identifiers: Orphanet 217607, MedGen C0340427, MONDO:0016333.

Submission:

Women's Health and Genetics/Laboratory Corporation of America, LabCorp
Classification: Pathogenic for Primary familial dilated cardiomyopathy. Last evaluated: 2026-06-19. Review status: criteria provided, single submitter. Criteria: LabCorp Variant Classification Summary - May 2015. Collection method: clinical testing. Allele origin: germline.
Comment: Variant summary: The variant involves the deletion of exons 19-20 in the EYA4 gene. A presumed nomenclature of c.(1738+1_1739-1)_(*3324_?)del has been designated for the purposes of this classification. The exact breakpoint at the 3' end of this variant is unknown, therefore this deletion may extend downstream of the annotated region of the gene. As it encompasses the termination codon, it is predicted to escape nonsense mediated decay (NMD). Loss-of-function variants in this gene are known to be pathogenic. The variant was absent in 21692 control chromosomes (gnomAD SV database). To our knowledge, no occurrence of c.(1738+1_1739-1)_(*3324_?)del in individuals affected with EYA4-related conditions and no experimental evidence demonstrating its impact on protein function have been reported. At least one variant c.1790delT p.Val597Glyfs*4, presumably Likely Pathogenic, is also predicted to excape NMD within the deleted region. ClinVar contains an entry for this variant (Variation ID: 832381). Based on the evidence outlined above, the variant was classified as pathogenic.

NC_000006.11:g.(133844316_133846291)_(133853267_?)del

Gene: EYA4 (EYA transcriptional coactivator and phosphatase 4; plus strand). Cytogenetic location: 6q23.2.
Variant type: Deletion.
Identifiers: ClinVar variation 4887800 (VCV004887800.1).